The following is an entry in ClinVar:

ClinVar aggregate classification (germline): Uncertain significance. Review status: criteria provided, multiple submitters, no conflicts (2 of 4 stars). 2 submissions from 2 submitters: Uncertain significance (2). Last evaluated 2022-08-23.

Conditions:
Infantile spasms. Also called: Infantile spasm. Identifiers: MedGen C3887898, HP:0012469.

Allele frequency attached by ClinVar (database versions not stated): gnomAD 0.00001.
gnomAD v4.1: 2 of 1,610,936 alleles (0.00012%); highest among the groups gnomAD compares: Admixed American, 0.0034%; no homozygotes.

Submissions (2):

Labcorp Genetics (formerly Invitae), Labcorp
Classification: Uncertain significance for Infantile spasms. Last evaluated: 2022-08-23. Review status: criteria provided, single submitter. Criteria: Invitae Variant Classification Sherloc (09022015). Collection method: clinical testing. Allele origin: germline.
Comment: In summary, the available evidence is currently insufficient to determine the role of this variant in disease. Therefore, it has been classified as a Variant of Uncertain Significance. Algorithms developed to predict the effect of missense changes on protein structure and function (SIFT, PolyPhen-2, Align-GVGD) all suggest that this variant is likely to be tolerated. ClinVar contains an entry for this variant (Variation ID: 1004625). This variant has not been reported in the literature in individuals affected with PIK3AP1-related conditions. This variant is not present in population databases (gnomAD no frequency). This sequence change replaces histidine, which is basic and polar, with asparagine, which is neutral and polar, at codon 371 of the PIK3AP1 protein (p.His371Asn).

Ambry Genetics
Classification: Uncertain significance. Last evaluated: 2021-09-17. Review status: criteria provided, single submitter. Criteria: Ambry Variant Classification Scheme 2023. Collection method: clinical testing. Allele origin: germline.

NM_152309.3(PIK3AP1):c.1111C>A (p.His371Asn)

Gene: PIK3AP1 (phosphoinositide-3-kinase adaptor protein 1; minus strand). Cytogenetic location: 10q24.1.
Variant type: single nucleotide variant.
Coding change: c.1111C>A on transcript NM_152309.3 (MANE Select); coding-DNA position 1111, C replaced by A.
Protein change: p.His371Asn; replaces histidine 371 with asparagine.
Molecular consequence: missense variant.
Genome position (GRCh38, 1-based): chr10:96,648,733, G>T on the plus strand (C>A on the coding strand, the complement: PIK3AP1 is on the minus strand). VCF-style: chr10-96648733-G-T. GRCh37 (hg19) VCF-style: chr10-98408490-G-T.
Other names: c.1111C>A (NM_152309.2); short protein forms H371N.
Identifiers: ClinVar variation 1004625 (VCV001004625.7), dbSNP rs764406248, ClinGen allele CA377745257.
Genomic context (GRCh38, chr10:96,648,733, plus strand): 5'-TGAACTGCCGCAGGTCCCTGAAGCCGTGTTTCTCAGCGATGGTGTTGGGGTAGTGGCCAT[G>T]CTTGTTGGCCACGCTGTACGCCTGCAGGGCTCCTGGGCAGGTGAGCAACAAGGCAGTGAG-3'
Protein context (NP_689522.2, residues 361-381): ALQAYSVANK[His371Asn]GHYPNTIAEK